The following is an entry in ClinVar:

NM_020458.4(TTC7A):c.2270T>C (p.Val757Ala)

Gene: TTC7A (tetratricopeptide repeat domain 7A; plus strand). Cytogenetic location: 2p21.
Variant type: single nucleotide variant.
Coding change: c.2270T>C on transcript NM_020458.4 (MANE Select); coding-DNA position 2270, T replaced by C.
Protein change: p.Val757Ala; replaces valine 757 with alanine.
Molecular consequence: missense variant.
Genome position (GRCh38, 1-based): chr2:47,060,886, T>C. VCF-style: chr2-47060886-T-C. GRCh37 (hg19) VCF-style: chr2-47288025-T-C.
Other names: c.2342T>C, p.Val781Ala (NM_001288951.2); c.2168T>C, p.Val723Ala (NM_001288953.2); c.1208T>C, p.Val403Ala (NM_001288955.2); short protein forms V781A, V723A, V403A, V757A.
Identifiers: ClinVar variation 1519052 (VCV001519052.8), dbSNP rs1573067677, ClinGen allele CA346714921.

ClinVar aggregate classification (germline): Uncertain significance (1 of 4 stars; one submission).

Conditions:
Multiple gastrointestinal atresias. Also called: Multiple intestinal atresia; FAMILIAL INTESTINAL POLYATRESIA SYNDROME. Identifiers: Orphanet 2300, MedGen C0220744, MONDO:0009465.

Allele frequency attached by ClinVar (database versions not stated): gnomAD exomes below 0.00001.
gnomAD v4.1: 1 of 1,614,126 alleles (0.000062%); highest among the groups gnomAD compares: Non-Finnish European, 0.000085%; no homozygotes.

Submission:

Labcorp Genetics (formerly Invitae), Labcorp
Classification: Uncertain significance for Multiple gastrointestinal atresias. Last evaluated: 2025-04-14. Review status: criteria provided, single submitter. Criteria: Invitae Variant Classification Sherloc (09022015). Collection method: clinical testing. Allele origin: germline.
Comment: This sequence change replaces valine, which is neutral and non-polar, with alanine, which is neutral and non-polar, at codon 757 of the TTC7A protein (p.Val757Ala). This variant is not present in population databases (gnomAD no frequency). This variant has not been reported in the literature in individuals affected with TTC7A-related conditions. ClinVar contains an entry for this variant (Variation ID: 1519052). Invitae Evidence Modeling of protein sequence and biophysical properties (such as structural, functional, and spatial information, amino acid conservation, physicochemical variation, residue mobility, and thermodynamic stability) indicates that this missense variant is not expected to disrupt TTC7A protein function with a negative predictive value of 80%. In summary, the available evidence is currently insufficient to determine the role of this variant in disease. Therefore, it has been classified as a Variant of Uncertain Significance.